The following is an entry in ClinVar:

NM_031372.4(HNRNPDL):c.1193-4A>G

Gene: HNRNPDL (heterogeneous nuclear ribonucleoprotein D like; minus strand). Cytogenetic location: 4q21.22.
Variant type: single nucleotide variant.
Coding change: c.1193-4A>G on transcript NM_031372.4 (MANE Select); 4 bases into the intron before coding-DNA position 1193, A replaced by G.
Molecular consequence: intron variant.
Genome position (GRCh38, 1-based): chr4:82,426,133, T>C on the plus strand (A>G on the coding strand, the complement: HNRNPDL is on the minus strand). VCF-style: chr4-82426133-T-C. GRCh37 (hg19) VCF-style: chr4-83347286-T-C.
Other names: c.1022-4A>G (NM_001207000.1).
Identifiers: ClinVar variation 646823 (VCV000646823.9), dbSNP rs1578083031, ClinGen allele CA915943081.

ClinVar aggregate classification (germline): Uncertain significance (1 of 4 stars; one submission).

Conditions:
Autosomal dominant limb-girdle muscular dystrophy type 1G (LGMDD3). Also called: Limb-girdle muscular dystrophy, type 1G; MUSCULAR DYSTROPHY, LIMB-GIRDLE, AUTOSOMAL DOMINANT 3. Identifiers: Orphanet 55596, MedGen C1836765, MONDO:0012193, OMIM 609115.

Submission:

Labcorp Genetics (formerly Invitae), Labcorp
Classification: Uncertain significance for Autosomal dominant limb-girdle muscular dystrophy type 1G. Last evaluated: 2025-02-17. Review status: criteria provided, single submitter. Criteria: Invitae Variant Classification Sherloc (09022015). Collection method: clinical testing. Allele origin: germline.
Comment: This sequence change falls in intron 6 of the HNRNPDL gene. It does not directly change the encoded amino acid sequence of the HNRNPDL protein. This variant is not present in population databases (gnomAD no frequency). This variant has not been reported in the literature in individuals affected with HNRNPDL-related conditions. ClinVar contains an entry for this variant (Variation ID: 646823). Algorithms developed to predict the effect of sequence changes on RNA splicing suggest that this variant may disrupt the consensus splice site. In summary, the available evidence is currently insufficient to determine the role of this variant in disease. Therefore, it has been classified as a Variant of Uncertain Significance.